The following is an entry in ClinVar:

ClinVar aggregate classification (germline): Uncertain significance. Review status: criteria provided, multiple submitters, no conflicts (2 of 4 stars). 2 submissions from 2 submitters: Uncertain significance (2). Last evaluated 2025-11-01.

Conditions:
Cardiovascular phenotype. Identifiers: MedGen CN230736.

Allele frequency attached by ClinVar (database versions not stated): gnomAD 0.00001; ExAC 0.00002; TOPMed 0.00002; gnomAD exomes 0.00004; 1000 Genomes Project 30x 0.00016; 1000 Genomes Project 0.00020.
gnomAD v4.1: 55 of 1,613,294 alleles (0.0034%); highest among the groups gnomAD compares: Admixed American, 0.005%; no homozygotes.

Submissions (2):

CeGaT Center for Human Genetics Tuebingen
Classification: Uncertain significance. Last evaluated: 2025-11-01. Review status: criteria provided, single submitter. Criteria: CeGaT Center For Human Genetics Tuebingen Variant Classification Criteria Version 2. Collection method: clinical testing. Allele origin: germline. Affected: yes. Observed: 2 variant alleles.

Ambry Genetics
Classification: Uncertain significance for Cardiovascular phenotype. Last evaluated: 2018-11-20. Review status: criteria provided, single submitter. Criteria: Ambry Variant Classification Scheme 2023. Collection method: clinical testing. Allele origin: germline.
Comment: The p.R17374H variant (also known as c.52121G>A), located in coding exon 153 of the TTN gene, results from a G to A substitution at nucleotide position 52121. The arginine at codon 17374 is replaced by histidine, an amino acid with highly similar properties. This amino acid position is well conserved in available vertebrate species; however, histidine is the reference amino acid in other vertebrate species. In addition, this alteration is predicted to be tolerated by in silico analysis. Since supporting evidence is limited at this time, the clinical significance of this alteration remains unclear.

NM_001267550.2(TTN):c.79316G>A (p.Arg26439His)

Genes: TTN (titin; minus strand), TTN-AS1 (TTN antisense RNA 1; plus strand). Cytogenetic location: 2q31.2.
Variant type: single nucleotide variant.
Coding change: c.79316G>A on transcript NM_001267550.2 (MANE Select); coding-DNA position 79316, G replaced by A.
Protein change: p.Arg26439His; replaces arginine 26439 with histidine.
Molecular consequence: missense variant.
Genome position (GRCh38, 1-based): chr2:178,566,816, C>T on the plus strand (G>A on the coding strand, the complement: TTN is on the minus strand). VCF-style: chr2-178566816-C-T. GRCh37 (hg19) VCF-style: chr2-179431543-C-T.
Other names: c.74393G>A, p.Arg24798His (NM_001256850.1); c.52121G>A, p.Arg17374His (NM_003319.4); c.71612G>A, p.Arg23871His (NM_133378.4); c.52496G>A, p.Arg17499His (NM_133432.3); c.52697G>A, p.Arg17566His (NM_133437.4); short protein forms R17374H, R17499H, R24798H, R26439H, R17566H, R23871H.
Identifiers: ClinVar variation 1746115 (VCV001746115.26), dbSNP rs187941835, ClinGen allele CA1989492.
Genomic context (GRCh38, chr2:178,566,816, plus strand): 5'-AATTCATACTCATGATCTTCTGTTAATCCTGTCACTCTTAGACGCAAATCTGTAATGCGG[C>T]GTTTATTACATTTTATCCATCGAATGCCACTTCTGTCTCTTTTCTCTACAATGTAACCAA-3'
Protein context (NP_001254479.2, residues 26429-26449): SGIRWIKCNK[Arg26439His]RITDLRLRVT